The following is an entry in ClinVar:

ClinVar aggregate classification (germline): Likely benign (1 of 4 stars; one submission).

Submission:

CeGaT Center for Human Genetics Tuebingen
Classification: Likely benign. Last evaluated: 2025-12-01. Review status: criteria provided, single submitter. Criteria: CeGaT Center For Human Genetics Tuebingen Variant Classification Criteria Version 2. Collection method: clinical testing. Allele origin: germline. Affected: yes. Observed: 1 variant allele.
Comment: INO80B: BP4, BP7

NM_031288.4(INO80B):c.30C>T (p.Thr10=)

Genes: INO80B (INO80 complex subunit B; plus strand), INO80B-WBP1 (INO80B-WBP1 readthrough (NMD candidate); plus strand), LOC129934125 (ATAC-STARR-seq lymphoblastoid active region 16056; plus strand). Cytogenetic location: 2p13.1.
Variant type: single nucleotide variant.
Coding change: c.30C>T on transcript NM_031288.4 (MANE Select); coding-DNA position 30, C replaced by T.
Protein change: p.Thr10=; no amino-acid change (threonine 10 retained).
Molecular consequence: synonymous variant. On other transcripts: non-coding transcript variant (1).
Genome position (GRCh38, 1-based): chr2:74,455,146, C>T. VCF-style: chr2-74455146-C-T. GRCh37 (hg19) VCF-style: chr2-74682273-C-T.
Identifiers: ClinVar variation 4822789 (VCV004822789.4).
Genomic context (GRCh38, chr2:74,455,146, plus strand): 5'-CATTTCTAGTCCCCTTTCCTCGCAGGACCTCATGAGTAAGCTGTGGCGGCGTGGGAGCAC[C>T]TCTGGGGCTATGGAGGCCCCTGAGCCGGGTAAGCGCGAATAGATCAAGCAATTTAGGTCG-3'
Protein context (NP_112578.2, residues 1-20): MSKLWRRGS[Thr10=]SGAMEAPEPG